The following is an entry in ClinVar:

NM_001048174.2(MUTYH):c.1492C>G (p.Gln498Glu)

Gene: MUTYH (mutY DNA glycosylase; minus strand). Cytogenetic location: 1p34.1.
Variant type: single nucleotide variant.
Coding change: c.1492C>G on transcript NM_001048174.2 (MANE Select); coding-DNA position 1492, C replaced by G.
Protein change: p.Gln498Glu; replaces glutamine 498 with glutamic acid.
Molecular consequence: missense variant. On other transcripts: non-coding transcript variant (7).
Genome position (GRCh38, 1-based): chr1:45,329,380, G>C on the plus strand (C>G on the coding strand, the complement: MUTYH is on the minus strand). VCF-style: chr1-45329380-G-C. GRCh37 (hg19) VCF-style: chr1-45795052-G-C.
Other names: c.1492C>G, p.Gln498Glu (NM_001048171.2, NM_001048173.2, NM_001407088.1 and 6 more transcripts); c.1495C>G, p.Gln499Glu (NM_001048172.2, NM_001407086.1, NM_001407078.1 and 1 more transcripts); c.1576C>G, p.Gln526Glu (NM_001128425.2); c.1537C>G, p.Gln513Glu (NM_001293190.2); c.1525C>G, p.Gln509Glu (NM_001293191.2, NM_001407077.1, NM_001407069.1); c.1534C>G, p.Gln512Glu (NM_001407083.1, NM_001407085.1); c.1513C>G, p.Gln505Glu (NM_001407087.1); c.1216C>G, p.Gln406Glu (NM_001407091.1, NM_001293192.2, NM_001293196.2); and 5 more; short protein forms Q470E, Q499E, Q505E, Q513E, Q523E, Q485E, Q498E, Q383E.
Identifiers: ClinVar variation 4113385 (VCV004113385.1).

ClinVar aggregate classification (germline): Uncertain significance (1 of 4 stars; one submission).

Conditions:
Hereditary cancer-predisposing syndrome. Also called: Tumor predisposition; Neoplastic Syndromes, Hereditary; Hereditary neoplastic syndrome; Hereditary Cancer Syndrome. Identifiers: Orphanet 140162, MedGen C0027672, MeSH D009386, MONDO:0015356.

Submission:

Ambry Genetics
Classification: Uncertain significance for Hereditary cancer-predisposing syndrome. Last evaluated: 2025-08-27. Review status: criteria provided, single submitter. Criteria: Ambry Variant Classification Scheme 2023. Collection method: clinical testing. Allele origin: germline.
Comment: The p.Q526E variant (also known as c.1576C>G), located in coding exon 16 of the MUTYH gene, results from a C to G substitution at nucleotide position 1576. The glutamine at codon 526 is replaced by glutamic acid, an amino acid with highly similar properties. This amino acid position is conserved. In addition, this alteration is predicted to be tolerated by in silico analysis. Based on the available evidence, the clinical significance of this variant remains unclear.